The following is an entry in ClinVar:

NM_001371986.1(UNC80):c.9148A>G (p.Ser3050Gly)

Gene: UNC80 (unc-80 subunit of NALCN channel complex; plus strand). Cytogenetic location: 2q34.
Variant type: single nucleotide variant.
Coding change: c.9148A>G on transcript NM_001371986.1 (MANE Select); coding-DNA position 9148, A replaced by G.
Protein change: p.Ser3050Gly; replaces serine 3050 with glycine.
Molecular consequence: missense variant.
Genome position (GRCh38, 1-based): chr2:209,982,208, A>G. VCF-style: chr2-209982208-A-G. GRCh37 (hg19) VCF-style: chr2-210846932-A-G.
Other names: c.8950A>G, p.Ser2984Gly (NM_032504.2); c.8935A>G, p.Ser2979Gly (NM_182587.4); short protein forms S3050G, S2979G, S2984G.
Identifiers: ClinVar variation 1424652 (VCV001424652.6), dbSNP rs2125023017, ClinGen allele CA350414846.

ClinVar aggregate classification (germline): Uncertain significance (1 of 4 stars; one submission).

Allele frequency attached by ClinVar (database versions not stated): gnomAD exomes below 0.00001.
gnomAD v4.1: 1 of 1,551,648 alleles (0.000064%); highest among the groups gnomAD compares: Non-Finnish European, 0.000087%; no homozygotes.

Submission:

Labcorp Genetics (formerly Invitae), Labcorp
Classification: Uncertain significance. Last evaluated: 2024-02-24. Review status: criteria provided, single submitter. Criteria: Invitae Variant Classification Sherloc (09022015). Collection method: clinical testing. Allele origin: germline.
Comment: This sequence change replaces serine, which is neutral and polar, with glycine, which is neutral and non-polar, at codon 2984 of the UNC80 protein (p.Ser2984Gly). This variant is not present in population databases (gnomAD no frequency). This variant has not been reported in the literature in individuals affected with UNC80-related conditions. ClinVar contains an entry for this variant (Variation ID: 1424652). Advanced modeling of protein sequence and biophysical properties (such as structural, functional, and spatial information, amino acid conservation, physicochemical variation, residue mobility, and thermodynamic stability) performed at Invitae indicates that this missense variant is not expected to disrupt UNC80 protein function with a negative predictive value of 80%. In summary, the available evidence is currently insufficient to determine the role of this variant in disease. Therefore, it has been classified as a Variant of Uncertain Significance.